The following is an entry in ClinVar:

ClinVar aggregate classification (germline): Uncertain significance. Review status: criteria provided, multiple submitters, no conflicts (2 of 4 stars). 2 submissions from 2 submitters: Uncertain significance (2). Last evaluated 2022-01-19.

Conditions:
Inborn genetic diseases. Identifiers: MedGen C0950123, MeSH D030342.
MHC class I deficiency. Identifiers: Orphanet 34592, MedGen C6024714, MONDO:0011476.

Allele frequency attached by ClinVar (database versions not stated): TOPMed 0.00002.
gnomAD v4.1: 5 of 1,613,112 alleles (0.00031%); highest among the groups gnomAD compares: Admixed American, 0.0033%; no homozygotes.

Submissions (2):

Ambry Genetics
Classification: Uncertain significance for Inborn genetic diseases. Last evaluated: 2022-01-19. Review status: criteria provided, single submitter. Criteria: Ambry Variant Classification Scheme 2023. Collection method: clinical testing. Allele origin: germline.

Labcorp Genetics (formerly Invitae), Labcorp
Classification: Uncertain significance for MHC class I deficiency 1. Last evaluated: 2019-07-19. Review status: criteria provided, single submitter. Criteria: Invitae Variant Classification Sherloc (09022015). Collection method: clinical testing. Allele origin: germline.
Comment: In summary, the available evidence is currently insufficient to determine the role of this variant in disease. Therefore, it has been classified as a Variant of Uncertain Significance. Algorithms developed to predict the effect of missense changes on protein structure and function are either unavailable or do not agree on the potential impact of this missense change (SIFT: "Deleterious"; PolyPhen-2: "Benign"; Align-GVGD: "Class C0"). This variant has not been reported in the literature in individuals with TAP1-related conditions. This variant is present in population databases (rs768348425, ExAC 0.009%). This sequence change replaces glycine with tryptophan at codon 783 of the TAP1 protein (p.Gly783Trp). The glycine residue is weakly conserved and there is a large physicochemical difference between glycine and tryptophan.

NM_000593.6(TAP1):c.2167G>T (p.Gly723Trp)

Genes: PSMB8-AS1 (PSMB8 antisense RNA 1; plus strand), TAP1 (transporter 1, ATP binding cassette subfamily B member; minus strand). Cytogenetic location: 6p21.32.
Variant type: single nucleotide variant.
Coding change: c.2167G>T on transcript NM_000593.6 (MANE Select); coding-DNA position 2167, G replaced by T.
Protein change: p.Gly723Trp; replaces glycine 723 with tryptophan.
Molecular consequence: missense variant. On other transcripts: non-coding transcript variant (4).
Genome position (GRCh38, 1-based): chr6:32,845,659, C>A on the plus strand (G>T on the coding strand, the complement: TAP1 is on the minus strand). VCF-style: chr6-32845659-C-A. GRCh37 (hg19) VCF-style: chr6-32813436-C-A.
Other names: c.1564G>T, p.Gly522Trp (NM_001292022.2); short protein forms G522W, G723W.
Identifiers: ClinVar variation 953961 (VCV000953961.10), dbSNP rs768348425, ClinGen allele CA3746567.